The following is an entry in ClinVar:

ClinVar aggregate classification (germline): Pathogenic. Review status: no assertion criteria provided (0 of 4 stars). 2 submissions from 1 submitter: Pathogenic (1). 1 of the submissions does not count toward it. Last evaluated 2012-03-16.

Conditions:
Megaloblastic anemia, thiamine-responsive, with diabetes mellitus and sensorineural deafness (TRMA). Also called: THIAMINE METABOLISM DYSFUNCTION SYNDROME 1 (MEGALOBLASTIC ANEMIA, DIABETES MELLITUS, AND DEAFNESS TYPE); Thiamine-Responsive Megaloblastic Anemia Syndrome; ROGERS SYNDROME; THIAMINE-RESPONSIVE ANEMIA SYNDROME; THIAMINE-RESPONSIVE MYELODYSPLASIA. Identifiers: Orphanet 49827, MedGen C0342287, MONDO:0009575, OMIM 249270.

Submissions (2):

Clinical Molecular Genetics Laboratory, Johns Hopkins All Children's Hospital
Classification: Pathogenic for Megaloblastic anemia, thiamine-responsive, with diabetes mellitus and sensorineural deafness. Last evaluated: 2012-03-16. Review status: no assertion criteria provided. Collection method: clinical testing. Allele origin: germline. Inheritance: Autosomal recessive inheritance. Affected: yes. Observed: 1 homozygote.

Clinical Molecular Genetics Laboratory, Johns Hopkins All Children's Hospital
Classification: Pathogenic for Megaloblastic anemia, thiamine-responsive, with diabetes mellitus and sensorineural deafness. Last evaluated: 2012-03-16. Review status: flagged submission. Collection method: clinical testing. Allele origin: germline. Affected: yes. Not counted in ClinVar's aggregate classification.
ClinVar note: Reason: This record appears to be redundant with a more recent record from the same submitter.
ClinVar note: Notes: SCV000920413 appears to be redundant with SCV000863574.

NM_006996.3(SLC19A2):c.64_70del (p.Thr22fs)

Genes: SLC19A2 (solute carrier family 19 member 2; minus strand), LOC129931894 (ATAC-STARR-seq lymphoblastoid silent region 1546; plus strand). Cytogenetic location: 1q24.2.
Variant type: Deletion.
Coding change: c.64_70del on transcript NM_006996.3 (MANE Select); coding-DNA positions 64 to 70, 7 bases deleted (ACCGCTC; older notation c.64_70delACCGCTC).
Protein change: p.Thr22fs; shifts the reading frame from threonine 22.
Molecular consequence: frameshift variant.
Genome position (GRCh38, 1-based): chr1:169,485,697-169,485,703, GAGCGGT deleted on the plus strand (ACCGCTC on the coding strand, the reverse complement: SLC19A2 is on the minus strand). VCF-style (leftmost placement, unchanged base first): chr1-169485696-CGAGCGGT-C. GRCh37 (hg19) VCF-style: chr1-169454934-CGAGCGGT-C.
Other names: c.64_70del, p.Thr22fs (NM_001319667.1); short protein forms T22fs.
Identifiers: ClinVar variation 599230 (VCV000599230.3), dbSNP rs1557894839, ClinGen allele CA913189736.